The following is an entry in ClinVar:

ClinVar aggregate classification (germline): Uncertain significance (1 of 4 stars; one submission).

gnomAD v4.1: 4 of 1,610,462 alleles (0.00025%); highest among the groups gnomAD compares: Non-Finnish European, 0.00034%; no homozygotes.

Submission:

Greenwood Genetic Center Diagnostic Laboratories, Greenwood Genetic Center
Classification: Uncertain significance. Last evaluated: 2024-11-23. Review status: criteria provided, single submitter. Criteria: ACMG Guidelines, 2015. Collection method: clinical testing. Allele origin: germline. Affected: yes.
Comment: PM2, BP4, PP2

NM_014423.4(AFF4):c.1062G>C (p.Gln354His)

Gene: AFF4 (ALF transcription elongation factor 4; minus strand). Cytogenetic location: 5q31.1.
Variant type: single nucleotide variant.
Coding change: c.1062G>C on transcript NM_014423.4 (MANE Select); coding-DNA position 1062, G replaced by C.
Protein change: p.Gln354His; replaces glutamine 354 with histidine.
Molecular consequence: missense variant.
Genome position (GRCh38, 1-based): chr5:132,904,393, C>G on the plus strand (G>C on the coding strand, the complement: AFF4 is on the minus strand). VCF-style: chr5-132904393-C-G. GRCh37 (hg19) VCF-style: chr5-132240085-C-G.
Other names: short protein forms Q354H.
Identifiers: ClinVar variation 3765790 (VCV003765790.1).